The following is an entry in ClinVar:

NM_001040142.2(SCN2A):c.3780G>T (p.Lys1260Asn)

Gene: SCN2A (sodium voltage-gated channel alpha subunit 2; plus strand). Cytogenetic location: 2q24.3.
Variant type: single nucleotide variant.
Coding change: c.3780G>T on transcript NM_001040142.2 (MANE Select); coding-DNA position 3780, G replaced by T.
Protein change: p.Lys1260Asn; replaces lysine 1260 with asparagine.
Molecular consequence: missense variant.
Genome position (GRCh38, 1-based): chr2:165,370,230, G>T. VCF-style: chr2-165370230-G-T. GRCh37 (hg19) VCF-style: chr2-166226740-G-T.
Other names: c.3780G>T (NM_021007.2); c.3780G>T, p.Lys1260Asn (NM_001040143.2, NM_001371246.1, NM_001371247.1 and 1 more transcripts); short protein forms K1260N.
Identifiers: ClinVar variation 2950788 (VCV002950788.4), dbSNP rs763442348, ClinGen allele CA349028108.
Genomic context (GRCh38, chr2:165,370,230, plus strand): 5'-CATGTTAGAATATGCTGACAAGGTTTTCACTTACATATTCATTCTGGAAATGCTGCTAAA[G>T]TGGGTTGCATATGGTTTTCAAGTGTATTTTACCAATGCCTGGTGCTGGCTAGACTTCCTG-3'
Protein context (NP_001035232.1, residues 1250-1270): TYIFILEMLL[Lys1260Asn]WVAYGFQVYF

ClinVar aggregate classification (germline): Uncertain significance. Review status: criteria provided, multiple submitters, no conflicts (2 of 4 stars). 2 submissions from 2 submitters: Uncertain significance (2). Last evaluated 2023-10-24.

Conditions:
Developmental and epileptic encephalopathy, 11 (DEE11). Also called: Early infantile epileptic encephalopathy 11. Identifiers: Orphanet 1934, MedGen C3150987, MONDO:0013388, OMIM 613721.
Seizures, benign familial infantile, 3 (BFIS3). Also called: Familial neonatal seizures; CONVULSIONS, BENIGN FAMILIAL INFANTILE, 3. Identifiers: Orphanet 140927, Orphanet 306, MedGen C1843140, MONDO:0011904, OMIM 607745.
Inborn genetic diseases. Identifiers: MedGen C0950123, MeSH D030342.

Submissions (2):

Ambry Genetics
Classification: Uncertain significance for Inborn genetic diseases. Last evaluated: 2023-10-24. Review status: criteria provided, single submitter. Criteria: Ambry Variant Classification Scheme 2023. Collection method: clinical testing. Allele origin: germline.
Comment: The c.3780G>T (p.K1260N) alteration is located in exon 20 (coding exon 19) of the SCN2A gene. This alteration results from a G to T substitution at nucleotide position 3780, causing the lysine (K) at amino acid position 1260 to be replaced by an asparagine (N). This variant was not reported in population-based cohorts in the Genome Aggregation Database (gnomAD). Two other alterations at the same codon, c.3778A>C (p.K1260Q) and c.3778A>G (p.K1260E), have been detected in a mosaic state in one individual with early infantile epileptic encephalopathy (Trump, 2016). This amino acid position is highly conserved in available vertebrate species. The in silico prediction for this alteration is inconclusive. Based on insufficient or conflicting evidence, the clinical significance of this alteration remains unclear.

Labcorp Genetics (formerly Invitae), Labcorp
Classification: Uncertain significance for Seizures, benign familial infantile, 3; Developmental and epileptic encephalopathy, 11. Last evaluated: 2023-08-07. Review status: criteria provided, single submitter. Criteria: Invitae Variant Classification Sherloc (09022015). Collection method: clinical testing. Allele origin: germline.
Comment: Advanced modeling of protein sequence and biophysical properties (such as structural, functional, and spatial information, amino acid conservation, physicochemical variation, residue mobility, and thermodynamic stability) performed at Invitae indicates that this missense variant is expected to disrupt SCN2A protein function. This variant has not been reported in the literature in individuals affected with SCN2A-related conditions. This variant is not present in population databases (gnomAD no frequency). This sequence change replaces lysine, which is basic and polar, with asparagine, which is neutral and polar, at codon 1260 of the SCN2A protein (p.Lys1260Asn). In summary, the available evidence is currently insufficient to determine the role of this variant in disease. Therefore, it has been classified as a Variant of Uncertain Significance.

Literature cited by the submitters: PubMed 26993267 (cited by Ambry Genetics).